The following is an entry in ClinVar:

NM_012330.4(KAT6B):c.5692C>T (p.Arg1898Trp)

Gene: KAT6B (lysine acetyltransferase 6B; plus strand). Cytogenetic location: 10q22.2.
Variant type: single nucleotide variant.
Coding change: c.5692C>T on transcript NM_012330.4 (MANE Select); coding-DNA position 5692, C replaced by T.
Protein change: p.Arg1898Trp; replaces arginine 1898 with tryptophan.
Molecular consequence: missense variant.
Genome position (GRCh38, 1-based): chr10:75,030,516, C>T. VCF-style: chr10-75030516-C-T. GRCh37 (hg19) VCF-style: chr10-76790274-C-T.
Other names: c.5143C>T, p.Arg1715Trp (NM_001256468.2, NM_001370138.1); c.4816C>T, p.Arg1606Trp (NM_001256469.2, NM_001370139.1, NM_001370140.1 and 2 more transcripts); c.4654C>T, p.Arg1552Trp (NM_001370132.1); c.4003C>T, p.Arg1335Trp (NM_001370133.1); c.3607C>T, p.Arg1203Trp (NM_001370134.1); c.3349C>T, p.Arg1117Trp (NM_001370135.1); c.5692C>T, p.Arg1898Trp (NM_001370136.1, NM_001370137.1); c.4627C>T, p.Arg1543Trp (NM_001370143.1, NM_001370144.1); and 1 more; short protein forms R1117W, R1203W, R1335W, R1543W, R1552W, R1606W, R1715W, R1898W.
Identifiers: ClinVar variation 1311247 (VCV001311247.4), dbSNP rs1846234095, ClinGen allele CA377301966.

ClinVar aggregate classification (germline): Uncertain significance. Review status: criteria provided, multiple submitters, no conflicts (2 of 4 stars). 2 submissions from 2 submitters: Uncertain significance (2). Last evaluated 2021-10-26.

Conditions:
Inborn genetic diseases. Identifiers: MedGen C0950123, MeSH D030342.

Allele frequency attached by ClinVar (database versions not stated): gnomAD exomes below 0.00001; gnomAD 0.00001.
gnomAD v4.1: 3 of 1,609,000 alleles (0.00019%); highest among the groups gnomAD compares: Admixed American, 0.0017%; no homozygotes.

Submissions (2):

Ambry Genetics
Classification: Uncertain significance for Inborn genetic diseases. Last evaluated: 2021-10-26. Review status: criteria provided, single submitter. Criteria: Ambry Variant Classification Scheme 2023. Collection method: clinical testing. Allele origin: germline.

GeneDx
Classification: Uncertain significance. Last evaluated: 2019-12-30. Review status: criteria provided, single submitter. Criteria: GeneDx Variant Classification Process June 2021. Collection method: clinical testing. Allele origin: germline. Affected: yes.
Comment: Not observed in large population cohorts (Lek et al., 2016); In silico analysis, which includes protein predictors and evolutionary conservation, supports a deleterious effect; Has not been previously published as pathogenic or benign to our knowledge